The following is an entry in ClinVar:

NM_004548.3(NDUFB10):c.295A>G (p.Ile99Val)

Genes: NDUFB10 (NADH:ubiquinone oxidoreductase subunit B10; plus strand), LOC130058198 (ATAC-STARR-seq lymphoblastoid active region 10241; plus strand). Cytogenetic location: 16p13.3.
Variant type: single nucleotide variant.
Coding change: c.295A>G on transcript NM_004548.3 (MANE Select); coding-DNA position 295, A replaced by G.
Protein change: p.Ile99Val; replaces isoleucine 99 with valine.
Molecular consequence: missense variant.
Genome position (GRCh38, 1-based): chr16:1,961,522, A>G. VCF-style: chr16-1961522-A-G. GRCh37 (hg19) VCF-style: chr16-2011523-A-G.
Other names: short protein forms I99V.
Identifiers: ClinVar variation 3671765 (VCV003671765.2).
Genomic context (GRCh38, chr16:1,961,522, plus strand): 5'-TGTGATTAGCCTCTCTTGCTCCTTTTCTCCACCAGCAAAGTCGACCAAGAAATTATCAAC[A>G]TTATGCAGGATCGGCTCAAAGCCTGTCAGCAGAGGGAAGGACAGAACTACCAGCAGAACT-3'
Protein context (NP_004539.1, residues 89-109): DYKVDQEIIN[Ile99Val]MQDRLKACQQ

ClinVar aggregate classification (germline): Uncertain significance (1 of 4 stars; one submission).

gnomAD v4.1: 1 of 1,614,058 alleles (0.000062%); highest among the groups gnomAD compares: Non-Finnish European, 0.000085%; no homozygotes.

Submission:

Labcorp Genetics (formerly Invitae), Labcorp
Classification: Uncertain significance. Last evaluated: 2024-02-08. Review status: criteria provided, single submitter. Criteria: Invitae Variant Classification Sherloc (09022015). Collection method: clinical testing. Allele origin: germline.
Comment: This sequence change replaces isoleucine, which is neutral and non-polar, with valine, which is neutral and non-polar, at codon 99 of the NDUFB10 protein (p.Ile99Val). This variant is not present in population databases (gnomAD no frequency). This variant has not been reported in the literature in individuals affected with NDUFB10-related conditions. An algorithm developed to predict the effect of missense changes on protein structure and function (PolyPhen-2) suggests that this variant is likely to be disruptive. In summary, the available evidence is currently insufficient to determine the role of this variant in disease. Therefore, it has been classified as a Variant of Uncertain Significance.